The following is an entry in ClinVar:

ClinVar aggregate classification (germline): Conflicting classifications of pathogenicity. Review status: criteria provided, conflicting classifications (1 of 4 stars). 2 submissions from 2 submitters: Uncertain significance (1); Benign (1). Last evaluated 2025-04-17.

Conditions:
Schuurs-Hoeijmakers syndrome. Also called: PACS1-Related Neurodevelopmental Disorder. Identifiers: Orphanet 329224, MedGen C3554343, MONDO:0014006, OMIM 615009.
Inborn genetic diseases. Identifiers: MedGen C0950123, MeSH D030342.

Allele frequency attached by ClinVar (database versions not stated): TOPMed 0.00002; gnomAD 0.00003.

Submissions (2):

Labcorp Genetics (formerly Invitae), Labcorp
Classification: Benign for Schuurs-Hoeijmakers syndrome. Last evaluated: 2025-04-17. Review status: criteria provided, single submitter. Criteria: Invitae Variant Classification Sherloc (09022015). Collection method: clinical testing. Allele origin: germline.

Ambry Genetics
Classification: Uncertain significance for Inborn genetic diseases. Last evaluated: 2016-10-31. Review status: criteria provided, single submitter. Criteria: Ambry Variant Classification Scheme 2023. Collection method: clinical testing. Allele origin: germline.
Comment: The p.A144T variant (also known as c.430G>A), located in coding exon 2 of the PACS1 gene, results from a G to A substitution at nucleotide position 430. The alanine at codon 144 is replaced by threonine, an amino acid with similar properties. This variant was previously reported in the SNPDatabase as rs201877943. This amino acid position is highly conserved in available vertebrate species. In addition, the in silico prediction for this alteration is inconclusive. Since supporting evidence is limited at this time, the clinical significance of this alteration remains unclear.

NM_018026.4(PACS1):c.430G>A (p.Ala144Thr)

Gene: PACS1 (phosphofurin acidic cluster sorting protein 1; plus strand). Cytogenetic location: 11q13.2.
Variant type: single nucleotide variant.
Coding change: c.430G>A on transcript NM_018026.4 (MANE Select); coding-DNA position 430, G replaced by A.
Protein change: p.Ala144Thr; replaces alanine 144 with threonine.
Molecular consequence: missense variant.
Genome position (GRCh38, 1-based): chr11:66,193,559, G>A. VCF-style: chr11-66193559-G-A. GRCh37 (hg19) VCF-style: chr11-65961030-G-A.
Other names: short protein forms A144T.
Identifiers: ClinVar variation 588382 (VCV000588382.7), dbSNP rs201877943, ClinGen allele CA223456703.